The following is an entry in ClinVar:

ClinVar aggregate classification (germline): Uncertain significance (1 of 4 stars; one submission).

Allele frequency attached by ClinVar (database versions not stated): gnomAD exomes below 0.00001; TOPMed below 0.00001; ExAC 0.00001; gnomAD 0.00001.
gnomAD v4.1: 4 of 1,613,584 alleles (0.00025%); highest among the groups gnomAD compares: Non-Finnish European, 0.00034%; no homozygotes.

Submission:

Labcorp Genetics (formerly Invitae), Labcorp
Classification: Uncertain significance. Last evaluated: 2021-07-29. Review status: criteria provided, single submitter. Criteria: Invitae Variant Classification Sherloc (09022015). Collection method: clinical testing. Allele origin: germline.
Comment: In summary, the available evidence is currently insufficient to determine the role of this variant in disease. Therefore, it has been classified as a Variant of Uncertain Significance. Algorithms developed to predict the effect of missense changes on protein structure and function (SIFT, PolyPhen-2, Align-GVGD) all suggest that this variant is likely to be tolerated. This variant has not been reported in the literature in individuals affected with KIF2A-related conditions. This variant is present in population databases (rs774962082, ExAC 0.002%). This sequence change replaces valine with alanine at codon 88 of the KIF2A protein (p.Val88Ala). The valine residue is moderately conserved and there is a small physicochemical difference between valine and alanine.

NM_001098511.3(KIF2A):c.263T>C (p.Val88Ala)

Gene: KIF2A (kinesin family member 2A; plus strand). Cytogenetic location: 5q12.1.
Variant type: single nucleotide variant.
Coding change: c.263T>C on transcript NM_001098511.3 (MANE Select); coding-DNA position 263, T replaced by C.
Protein change: p.Val88Ala; replaces valine 88 with alanine.
Molecular consequence: missense variant.
Genome position (GRCh38, 1-based): chr5:62,348,151, T>C. VCF-style: chr5-62348151-T-C. GRCh37 (hg19) VCF-style: chr5-61643978-T-C.
Other names: c.182T>C, p.Val61Ala (NM_001243952.2); c.263T>C, p.Val88Ala (NM_001243953.2, NM_004520.5); short protein forms V61A, V88A.
Identifiers: ClinVar variation 1462031 (VCV001462031.6), dbSNP rs774962082, ClinGen allele CA3278729.